The following is an entry in ClinVar:

ClinVar aggregate classification (germline): Pathogenic (1 of 4 stars; one submission).

Conditions:
Duchenne muscular dystrophy (DMD). Also called: Duchenne Muscular Dystrophy (DMD); MUSCULAR DYSTROPHY, PSEUDOHYPERTROPHIC PROGRESSIVE, DUCHENNE TYPE. Identifiers: Orphanet 98896, MedGen C0013264, MONDO:0010679, OMIM 310200.

Submission:

Labcorp Genetics (formerly Invitae), Labcorp
Classification: Pathogenic for Duchenne muscular dystrophy. Last evaluated: 2022-09-01. Review status: criteria provided, single submitter. Criteria: Invitae Variant Classification Sherloc (09022015). Collection method: clinical testing. Allele origin: germline.
Comment: For these reasons, this variant has been classified as Pathogenic. ClinVar contains an entry for this variant (Variation ID: 526089). This premature translational stop signal has been observed in individuals with Duchenne muscular dystrophy (PMID: 17259292, 31671740; Invitae). This variant is not present in population databases (gnomAD no frequency). This sequence change creates a premature translational stop signal (p.Gln1090*) in the DMD gene. It is expected to result in an absent or disrupted protein product. Loss-of-function variants in DMD are known to be pathogenic (PMID: 16770791, 25007885).

Literature cited by the submitters: PubMed 17259292; PubMed 31671740; PubMed 16770791; PubMed 25007885.

NM_004006.3(DMD):c.3268C>T (p.Gln1090Ter)

Gene: DMD (dystrophin; minus strand). Cytogenetic location: Xp21.1.
Variant type: single nucleotide variant.
Coding change: c.3268C>T on transcript NM_004006.3 (MANE Select); coding-DNA position 3268, C replaced by T.
Protein change: p.Gln1090Ter; replaces glutamine 1090 with a stop codon.
Molecular consequence: nonsense.
Genome position (GRCh38, 1-based): chrX:32,464,594, G>A on the plus strand (C>T on the coding strand, the complement: DMD is on the minus strand). VCF-style: chrX-32464594-G-A. GRCh37 (hg19) VCF-style: chrX-32482711-G-A.
Other names: c.3244C>T, p.Gln1082Ter (NM_000109.4); c.3256C>T, p.Gln1086Ter (NM_004009.3); c.2899C>T, p.Gln967Ter (NM_004010.3); short protein forms Q1090*, Q967*, Q1082*, Q1086*.
Identifiers: ClinVar variation 526089 (VCV000526089.10), dbSNP rs1557369991, ClinGen allele CA412664712.
Genomic context (GRCh38, chrX:32,464,594, plus strand): 5'-ATAATATTCATACAAAATTATTCATATTAAAGGCATCATATAAAAATCTTACTCTGCACT[G>A]TTTCAGCTGCTTTTTTAGAATTTCTGAATCCCCAAGGGCAGGCCATTCCTCCTTCAGAAA-3'